The following is an entry in ClinVar:

NM_014244.5(ADAMTS2):c.2613C>T (p.Gly871=)

Gene: ADAMTS2 (ADAM metallopeptidase with thrombospondin type 1 motif 2; minus strand). Cytogenetic location: 5q35.3.
Variant type: single nucleotide variant.
Coding change: c.2613C>T on transcript NM_014244.5 (MANE Select); coding-DNA position 2613, C replaced by T.
Protein change: p.Gly871=; no amino-acid change (glycine 871 retained).
Molecular consequence: synonymous variant.
Genome position (GRCh38, 1-based): chr5:179,127,963, G>A on the plus strand (C>T on the coding strand, the complement: ADAMTS2 is on the minus strand). VCF-style: chr5-179127963-G-A. GRCh37 (hg19) VCF-style: chr5-178554964-G-A.
Other names: p.Gly871=.
Identifiers: ClinVar variation 706080 (VCV000706080.46), dbSNP rs145016043, ClinGen allele CA3595509.
Genomic context (GRCh38, chr5:179,127,963, plus strand): 5'-ACCTTCTCGTGGTCACCCTCATGTCACCCAGGTCCCCAGCTTCGAGACCCCCTCACCTCC[G>A]CCACAGGGCTTGGAGCACGGAGACCACTTCTTCAGGGCCCACTCGTAGACCACAGAGTCC-3'
Protein context (NP_055059.2, residues 861-881): KKWSPCSKPC[Gly871=]GGSQFTKYGC

ClinVar aggregate classification (germline): Conflicting classifications of pathogenicity. Review status: criteria provided, conflicting classifications (1 of 4 stars). 8 submissions from 8 submitters: Uncertain significance (1); Likely benign (6). 1 of the submissions does not count toward it. Last evaluated 2026-02-01.

Conditions:
Ehlers-Danlos syndrome (EDS). Identifiers: Orphanet 98249, MedGen C0013720, MONDO:0020066.
Ehlers-Danlos syndrome, dermatosparaxis type. Also called: Dermatosparaxis; EDS VIIC; Ehlers-Danlos syndrome, type VII, autosomal recessive. Identifiers: Orphanet 1901, MedGen C2700425, MONDO:0009161, OMIM 225410.

Allele frequency attached by ClinVar (database versions not stated): ExAC 0.00015; gnomAD exomes 0.00018 and 0.00029; TOPMed 0.00020; gnomAD 0.00023 and 0.00026; ESP Exome Variant Server 0.00031; 1000 Genomes Project 30x 0.00047; 1000 Genomes Project 0.00060.
gnomAD v4.1: 484 of 1,613,632 alleles (0.03%); highest among the groups gnomAD compares: Non-Finnish European, 0.034%; 1 homozygote.

Submissions (8):

Labcorp Genetics (formerly Invitae), Labcorp
Classification: Likely benign for Ehlers-Danlos syndrome, dermatosparaxis type. Last evaluated: 2026-02-01. Review status: criteria provided, single submitter. Criteria: Invitae Variant Classification Sherloc (09022015). Collection method: clinical testing. Allele origin: germline.

Mayo Clinic Laboratories, Mayo Clinic
Classification: Likely benign. Last evaluated: 2025-05-03. Review status: criteria provided, single submitter. Criteria: ACMG Guidelines, 2015. Collection method: clinical testing. Allele origin: germline. Observed: 3 variant alleles.

Women's Health and Genetics/Laboratory Corporation of America, LabCorp
Classification: Likely benign. Last evaluated: 2024-11-27. Review status: criteria provided, single submitter. Criteria: LabCorp Variant Classification Summary - May 2015. Collection method: clinical testing. Allele origin: germline.

Blueprint Genetics
Classification: Likely benign. Last evaluated: 2024-11-15. Review status: criteria provided, single submitter. Criteria: ACMG Guidelines, 2015. Collection method: clinical testing. Allele origin: germline.

CeGaT Center for Human Genetics Tuebingen
Classification: Likely benign. Last evaluated: 2023-01-01. Review status: criteria provided, single submitter. Criteria: CeGaT Center For Human Genetics Tuebingen Variant Classification Criteria Version 2. Collection method: clinical testing. Allele origin: germline. Affected: yes. Observed: 1 variant allele.
Comment: ADAMTS2: BP4, BP7

GeneDx
Classification: Likely benign. Last evaluated: 2021-06-14. Review status: criteria provided, single submitter. Criteria: GeneDx Variant Classification Process June 2021. Collection method: clinical testing. Allele origin: germline. Affected: yes.

Genome Diagnostics Laboratory, The Hospital for Sick Children
Classification: Uncertain significance for Ehlers-Danlos syndrome. Last evaluated: 2019-06-01. Review status: criteria provided, single submitter. Criteria: ACMG Guidelines, 2015. Collection method: clinical testing. Allele origin: germline.

Natera, Inc.
Classification: Likely benign for Ehlers-Danlos syndrome type VIIC. Last evaluated: 2020-05-01. Review status: no assertion criteria provided. Collection method: clinical testing. Allele origin: germline. Not counted in ClinVar's aggregate classification.